The following is an entry in ClinVar:

ClinVar aggregate classification (germline): Likely benign (0 of 4 stars; one submission).

Conditions:
TSEN54-related disorder. Also called: TSEN54-related condition.

Submission:

PreventionGenetics, part of Exact Sciences
Classification: Likely benign for TSEN54-related condition. Last evaluated: 2019-09-19. Review status: no assertion criteria provided. Collection method: clinical testing. Allele origin: germline.
Comment: This variant is classified as likely benign based on ACMG/AMP sequence variant interpretation guidelines (Richards et al. 2015 PMID: 25741868, with internal and published modifications).

NM_207346.3(TSEN54):c.1253-10_1253-9del

Gene: TSEN54 (tRNA splicing endonuclease subunit 54; plus strand). Cytogenetic location: 17q25.1.
Variant type: Microsatellite.
Coding change: c.1253-10_1253-9del on transcript NM_207346.3 (MANE Select); 10 bases into the intron before coding-DNA position 1253 through 9 bases into the intron before coding-DNA position 1253, 2 bases deleted (GT; older notation c.1253-10_1253-9delGT).
Molecular consequence: intron variant.
Genome position (GRCh38, 1-based): chr17:75,523,265-75,523,266, GT deleted; deleting any 2 consecutive bases within chr17:75,523,262-75,523,266 gives the same sequence; the c. name uses the placement nearest the transcript's 3' end. VCF-style (leftmost placement, unchanged base first): chr17-75523261-CTG-C. GRCh37 (hg19) VCF-style: chr17-73519342-CTG-C.
Identifiers: ClinVar variation 3355549 (VCV003355549.1).